The following is an entry in ClinVar:

ClinVar aggregate classification (germline): Conflicting classifications of pathogenicity. Review status: criteria provided, conflicting classifications (1 of 4 stars). 3 submissions from 3 submitters: Uncertain significance (1); Likely benign (2). Last evaluated 2026-05-01.

gnomAD v4.1: 79 of 1,610,320 alleles (0.0049%); highest among the groups gnomAD compares: Admixed American, 0.017%; no homozygotes.

Submissions (3):

CeGaT Center for Human Genetics Tuebingen
Classification: Likely benign. Last evaluated: 2026-05-01. Review status: criteria provided, single submitter. Criteria: CeGaT Center For Human Genetics Tuebingen Variant Classification Criteria Version 2. Collection method: clinical testing. Allele origin: germline. Affected: yes. Observed: 1 variant allele.
Comment: MTSS2: BP4

Dasa
Classification: Uncertain significance. Last evaluated: 2025-11-24. Review status: criteria provided, single submitter. Criteria: DASA Assertion Criteria. Collection method: clinical testing. Allele origin: germline.
Comment: NM_138383.3(MTSS2):c.1867G>A (p.Ala623Thr) is a missense variant that results in the substitution of alanine with threonine. This variant is rare in population databases. Computational prediction algorithms are consistent with a benign effect. The currently available literature and clinical evidence are not sufficient to establish a definitive association between this variant and the reported condition. Therefore, this variant is classified as a variant of uncertain significance.

Ambry Genetics
Classification: Likely benign. Last evaluated: 2025-08-10. Review status: criteria provided, single submitter. Criteria: Ambry Variant Classification Scheme 2023. Collection method: clinical testing. Allele origin: germline.

NM_138383.3(MTSS2):c.1867G>A (p.Ala623Thr)

Gene: MTSS2 (MTSS I-BAR domain containing 2; minus strand). Cytogenetic location: 16q22.1.
Variant type: single nucleotide variant.
Coding change: c.1867G>A on transcript NM_138383.3 (MANE Select); coding-DNA position 1867, G replaced by A.
Protein change: p.Ala623Thr; replaces alanine 623 with threonine.
Molecular consequence: missense variant.
Genome position (GRCh38, 1-based): chr16:70,664,054, C>T on the plus strand (G>A on the coding strand, the complement: MTSS2 is on the minus strand). VCF-style: chr16-70664054-C-T. GRCh37 (hg19) VCF-style: chr16-70697957-C-T.
Other names: short protein forms A623T.
Identifiers: ClinVar variation 4112124 (VCV004112124.5).